The following is an entry in ClinVar:

ClinVar aggregate classification (germline): Pathogenic (1 of 4 stars; one submission).

Submission:

Labcorp Genetics (formerly Invitae), Labcorp
Classification: Pathogenic. Last evaluated: 2021-06-02. Review status: criteria provided, single submitter. Criteria: Invitae Variant Classification Sherloc (09022015). Collection method: clinical testing. Allele origin: germline.
Comment: For these reasons, this variant has been classified as Pathogenic. This variant disrupts the p.Cys140 amino acid residue in LMX1B. Other variant(s) that disrupt this residue have been determined to be pathogenic (Invitae). This suggests that this residue is clinically significant, and that variants that disrupt this residue are likely to be disease-causing. This variant has been observed in individual(s) with nail-patella syndrome (Invitae). In at least one individual the variant was observed to be de novo. This variant is not present in population databases (ExAC no frequency). This variant, c.407_421del, results in the deletion of 5 amino acid(s) of the LMX1B protein (p.Tyr136_Cys140del), but otherwise preserves the integrity of the reading frame.

NM_001174147.2(LMX1B):c.407_421del (p.Tyr136_Cys140del)

Gene: LMX1B (LIM homeobox transcription factor 1 beta; plus strand). Cytogenetic location: 9q33.3.
Variant type: Deletion.
Coding change: c.407_421del on transcript NM_001174147.2 (MANE Select); coding-DNA positions 407 to 421, 15 bases deleted (ACCACCTGGGCTGCT).
Protein change: p.Tyr136_Cys140del.
Molecular consequence: inframe deletion.
Genome position (GRCh38, 1-based): chr9:126,690,916-126,690,930, ACCACCTGGGCTGCT deleted; deleting any 15 consecutive bases within chr9:126,690,915-126,690,930 gives the same sequence; the c. name uses the placement nearest the transcript's 3' end. VCF-style (leftmost placement, unchanged base first): chr9-126690914-GTACCACCTGGGCTGC-G. GRCh37 (hg19) VCF-style: chr9-129453193-GTACCACCTGGGCTGC-G.
Other names: c.407_421del, p.Tyr136_Cys140del (NM_001174146.2, NM_002316.4).
Identifiers: ClinVar variation 1441083 (VCV001441083.8), dbSNP rs2118986919, ClinGen allele CA2573143937.
Genomic context (GRCh38, chr9:126,690,914, plus strand): 5'-CAGCGGCTGCATGGAGAAGATCGCCCCCACCGAGTTCGTGATGCGGGCGCTGGAGTGCGT[GTACCACCTGGGCTGC>G]TTCTGCTGCTGCGTGTGTGAACGGCAGCTACGCAAGGGCGACGAATTCGTGCTCAAGGAG-3'